The following is an entry in ClinVar:

ClinVar aggregate classification (germline): Conflicting classifications of pathogenicity. Review status: criteria provided, conflicting classifications (1 of 4 stars). 3 submissions from 3 submitters: Likely pathogenic (1); Uncertain significance (2). Last evaluated 2024-12-03.

Conditions:
Hereditary cancer-predisposing syndrome. Also called: Hereditary neoplastic syndrome; Tumor predisposition; Hereditary Cancer Syndrome; Neoplastic Syndromes, Hereditary. Identifiers: Orphanet 140162, MedGen C0027672, MeSH D009386, MONDO:0015356.

Submissions (3):

Women's Health and Genetics/Laboratory Corporation of America, LabCorp
Classification: Uncertain significance. Last evaluated: 2024-12-03. Review status: criteria provided, single submitter. Criteria: LabCorp Variant Classification Summary - May 2015. Collection method: clinical testing. Allele origin: germline.
Comment: Variant summary: BRCA2 c.6866T>G (p.Leu2289X) results in a premature termination codon in exon 12, predicted to cause a truncation of the encoded protein or absence of the protein due to nonsense mediated decay, which are commonly known mechanisms for disease. A naturally occurring in-frame BRCA2 isoform resulting from skipping of exon 12 is expressed in unaffected individuals (PMID 27060066). Experimental evidence using mouse embryonic stem cells showed that exon 12 is functionally redundant (PMID 19795481). Therefore, in the absence of supportive segregation/unequivocal functional evidence, the impact of loss of function variants in exon 12 of BRCA2 is uncertain. The variant was absent in 248798 control chromosomes. The available data on variant occurrences in the general population are insufficient to allow any conclusion about variant significance. To our knowledge, no occurrence of c.6866T>G in individuals affected with Hereditary Breast And Ovarian Cancer Syndrome and no experimental evidence demonstrating its impact on protein function have been reported. ClinVar contains an entry for this variant (Variation ID: 491310). Based on the evidence outlined above, the variant was classified as uncertain significance.

Color Diagnostics, LLC DBA Color Health
Classification: Likely pathogenic for Hereditary cancer-predisposing syndrome. Last evaluated: 2020-04-28. Review status: criteria provided, single submitter. Criteria: ACMG Guidelines, 2015. Collection method: clinical testing. Allele origin: germline.
Comment: This variant alters 1 nucleotide in exon 12 of the BRCA2 gene, creating a premature translation stop signal. This variant is expected to result in an absent or non-functional protein product. Loss of BRCA2 function is a known mechanism of disease. This variant has been reported in an individual affected with breast cancer (PMID: 28831036). This variant has not been identified in the general population by the Genome Aggregation Database (gnomAD). It has been shown that a transcript lacking exon 12 (delEx12) is detected at low levels (10-20%) in healthy individuals (PMID: 19795481, 32046981). This delEx12 transcript has shown varying levels of BRCA2 activity in BRCA2-null mouse embryonic stem cells (PMID: 19795481, 32046981). Of note, two of 11 truncation variants occurring in exon 12 have been shown to increase the delEx12 transcript levels to ~50% of total transcripts in the cells derived from two carriers (PMID: 32046981). However, family studies did not show a correlation of this observation with clinical outcome, and the delEx12 transcript-inducing variants were observed in multiple individuals affected with breast cancer (PMID: 32046981). In summary, limited data suggest that the deleterious effects of certain truncation variants occurring in exon 12 may be alleviated due to the induction of delEx12 transcript. However, the clinical relevance of this observation is not clearly established. Although additional studies are necessary to determine the role of this c.6849del variant in disease conclusively, the available evidence indicates that this variant is likely to result in the loss of BRCA2 function. Therefore, this variant is classified as Likely Pathogenic.

Ambry Genetics
Classification: Uncertain significance for Hereditary cancer-predisposing syndrome. Last evaluated: 2018-10-03. Review status: criteria provided, single submitter. Criteria: Ambry Variant Classification Scheme 2023. Collection method: clinical testing. Allele origin: germline.
Comment: The p.L2289* variant (also known as c.6866T>G), located in coding exon 11 of the BRCA2 gene, results from a T to G substitution at nucleotide position 6866. This changes the amino acid from a leucine to a stop codon within coding exon 11 (also known as exon 12) which is skipped in one of the natural in-frame minor isoforms expressed in normal individuals (known in the literature as BRCA2 delta 12) (Fackenthal J et al. J Med Genet. 2016 Aug; 53(8):548-58). In one study, BRCA2 exon 12 has been shown to be functionally redundant using mouse embryonic stem cells (Li L et al. Hum Mutat. 2009 Nov; 30(11):1543-50). Although alterations that result in premature protein truncation are typically deleterious in nature, protein truncating alterations that occur in exons that are skipped in naturally occurring in-frame minor isoforms have an uncertain impact on pathogenicity since it is possible that the naturally occurring isoform that lacks coding exon 11 may be partially functional. As such, the clinical significance of this alteration remains unclear.

NM_000059.4(BRCA2):c.6866T>G (p.Leu2289Ter)

Gene: BRCA2 (BRCA2 DNA repair associated; plus strand). Cytogenetic location: 13q13.1.
Variant type: single nucleotide variant.
Coding change: c.6866T>G on transcript NM_000059.4 (MANE Select); coding-DNA position 6866, T replaced by G.
Protein change: p.Leu2289Ter; replaces leucine 2289 with a stop codon.
Molecular consequence: nonsense.
Genome position (GRCh38, 1-based): chr13:32,344,582, T>G. VCF-style: chr13-32344582-T-G. GRCh37 (hg19) VCF-style: chr13-32918719-T-G.
Other names: short protein forms L2289*.
Identifiers: ClinVar variation 491310 (VCV000491310.8), dbSNP rs1555285146, ClinGen allele CA387792695.
Genomic context (GRCh38, chr13:32,344,582, plus strand): 5'-TTGCCTTAAAAACATATATGAAATATTTCTTTTTAGGAGAACCCTCAATCAAAAGAAACT[T>G]ATTAAATGAATTTGACAGGATAATAGAAAATCAAGAAAAATCCTTAAAGGCTTCAAAAAG-3'